The following is an entry in ClinVar:

NM_001205019.2(GK):c.748-5A>T

Genes: GK (glycerol kinase; plus strand), GK-AS1 (GK antisense RNA 1; minus strand). Cytogenetic location: Xp21.2.
Variant type: single nucleotide variant.
Coding change: c.748-5A>T on transcript NM_001205019.2 (MANE Select); 5 bases into the intron before coding-DNA position 748, A replaced by T.
Molecular consequence: intron variant. On other transcripts: non-coding transcript variant (1).
Genome position (GRCh38, 1-based): chrX:30,700,409, A>T. VCF-style: chrX-30700409-A-T. GRCh37 (hg19) VCF-style: chrX-30718526-A-T.
Other names: NC_000023.10:g.30718526A>T; c.748-5A>T (NM_203391.4); c.730-5A>T (NM_001128127.3, NM_000167.6).
Identifiers: ClinVar variation 590211 (VCV000590211.52), dbSNP rs186543786, ClinGen allele CA10376784.

ClinVar aggregate classification (germline): Benign/Likely benign. Review status: criteria provided, multiple submitters, no conflicts (2 of 4 stars). 7 submissions from 7 submitters: Benign (2); Likely benign (3). 2 of the submissions do not count toward it. Last evaluated 2024-11-07.

Conditions:
History of neurodevelopmental disorder. Identifiers: MedGen C2711754.

Allele frequency attached by ClinVar (database versions not stated): ESP Exome Variant Server 0.00170; gnomAD exomes 0.00184 and 0.00316; gnomAD 0.00284 and 0.00291; ExAC 0.00337; TOPMed 0.00355; 1000 Genomes Project 0.00371; 1000 Genomes Project 30x 0.00375.
gnomAD v4.1: 2,388 of 1,198,266 alleles (0.2%); highest among the groups gnomAD compares: Middle Eastern, 0.9%; 10 homozygotes.

Submissions (8):

Blueprint Genetics
Classification: Likely benign. Last evaluated: 2024-11-07. Review status: criteria provided, single submitter. Criteria: ACMG Guidelines, 2015. Collection method: clinical testing. Allele origin: germline.

Labcorp Genetics (formerly Invitae), Labcorp
Classification: Benign. Last evaluated: 2019-12-31. Review status: criteria provided, single submitter. Criteria: Invitae Variant Classification Sherloc (09022015). Collection method: clinical testing. Allele origin: germline.

CeGaT Center for Human Genetics Tuebingen
Classification: Likely benign. Last evaluated: 2018-05-01. Review status: criteria provided, single submitter. Criteria: CeGaT Center For Human Genetics Tuebingen Variant Classification Criteria Version 2. Collection method: clinical testing. Allele origin: germline. Affected: yes. Observed: 1 variant allele.

Ambry Genetics
Classification: Benign for History of neurodevelopmental disorder. Last evaluated: 2014-07-26. Review status: criteria provided, single submitter. Criteria: Ambry Autosomal Dominant and X-Linked criteria (10/2015). Collection method: clinical testing. Allele origin: germline. Observed: 1 variant allele.
Comment: Does not segregate with disease in family study (genes with incomplete penetrance);General population or subpopulation frequency is too high to be a pathogenic mutation based on disease/syndrome prevalence and penetrance;Other data supporting benign classification

Breakthrough Genomics
Classification: Likely benign. Review status: criteria provided, single submitter. Criteria: ACMG Guidelines, 2015. Collection method: not provided. Allele origin: germline. Inheritance: X-linked inheritance. Affected: yes.

Clinical Genetics DNA and cytogenetics Diagnostics Lab, Erasmus MC, Erasmus Medical Center
Classification: Benign. Review status: no assertion criteria provided. Collection method: clinical testing. Allele origin: germline. Affected: yes. Study: VKGL Data-share Consensus. Not counted in ClinVar's aggregate classification.

Dr. Peter K. Rogan Lab, Western University
No classification provided (evidence only). Condition: Colorectal cancer. Review status: no classification provided. Collection method: in vitro. Allele origin: not applicable. Functional consequence: retained intron. Not counted in ClinVar's aggregate classification.

Laboratory of Diagnostic Genome Analysis, Leiden University Medical Center (LUMC)
Classification: Likely benign. Review status: no assertion criteria provided. Collection method: clinical testing. Allele origin: germline. Affected: yes. Study: VKGL Data-share Consensus. Not counted in ClinVar's aggregate classification.